The following is an entry in ClinVar:

ClinVar aggregate classification (germline): Conflicting classifications of pathogenicity. Review status: criteria provided, conflicting classifications (1 of 4 stars). 4 submissions from 4 submitters: Uncertain significance (1); Likely benign (2). 1 of the submissions does not count toward it. Last evaluated 2026-01-31.

Conditions:
PEX5-related disorder. Also called: PEX5-related condition; PEX5-Related Disorders.
Peroxisome biogenesis disorder 2B (PBD2B). Identifiers: Orphanet 44, MedGen C3550234, MONDO:0008736, OMIM 202370.

Allele frequency attached by ClinVar (database versions not stated): ExAC 0.00022; 1000 Genomes Project 30x 0.00062; gnomAD 0.00070; TOPMed 0.00070; ESP Exome Variant Server 0.00077; 1000 Genomes Project 0.00080.
gnomAD v4.1: 180 of 1,610,150 alleles (0.011%); highest among the groups gnomAD compares: African/African-American, 0.18%; no homozygotes.

Submissions (4):

Labcorp Genetics (formerly Invitae), Labcorp
Classification: Likely benign for Peroxisome biogenesis disorder 2B. Last evaluated: 2026-01-31. Review status: criteria provided, single submitter. Criteria: Invitae Variant Classification Sherloc (09022015). Collection method: clinical testing. Allele origin: germline.

Blueprint Genetics
Classification: Likely benign. Last evaluated: 2024-05-13. Review status: criteria provided, single submitter. Criteria: ACMG Guidelines, 2015. Collection method: clinical testing. Allele origin: germline.

Eurofins Ntd Llc (ga)
Classification: Uncertain significance. Last evaluated: 2015-07-02. Review status: criteria provided, single submitter. Criteria: EGL Classification Definitions 2015. Collection method: clinical testing. Allele origin: germline. Observed: 4 variant alleles, 4 heterozygotes.

PreventionGenetics, part of Exact Sciences
Classification: Likely benign for PEX5-related condition. Last evaluated: 2022-07-05. Review status: no assertion criteria provided. Collection method: clinical testing. Allele origin: germline. Not counted in ClinVar's aggregate classification.
Comment: This variant is classified as likely benign based on ACMG/AMP sequence variant interpretation guidelines (Richards et al. 2015 PMID: 25741868, with internal and published modifications).

NM_001351132.2(PEX5):c.1178G>A (p.Arg393Gln)

Gene: PEX5 (peroxisomal biogenesis factor 5; plus strand). Cytogenetic location: 12p13.31.
Variant type: single nucleotide variant.
Coding change: c.1178G>A on transcript NM_001351132.2 (MANE Select); coding-DNA position 1178, G replaced by A.
Protein change: p.Arg393Gln; replaces arginine 393 with glutamine.
Molecular consequence: missense variant.
Genome position (GRCh38, 1-based): chr12:7,208,077, G>A. VCF-style: chr12-7208077-G-A. GRCh37 (hg19) VCF-style: chr12-7360673-G-A.
Other names: c.1154G>A, p.Arg385Gln (NM_000319.5); c.1223G>A, p.Arg408Gln (NM_001131023.2); c.1067G>A, p.Arg356Gln (NM_001131024.2, NM_001351124.3, NM_001351126.2 and 7 more transcripts); c.1178G>A, p.Arg393Gln (NM_001131025.2, NM_001131026.2, NM_001300789.3 and 4 more transcripts); c.1112G>A, p.Arg371Gln (NM_001351135.3, NM_001351138.2); c.1169G>A, p.Arg390Gln (NM_001351136.2); c.1043G>A, p.Arg348Gln (NM_001351139.2, NM_001351140.2, NM_001374649.2); short protein forms R385Q, R393Q, R348Q, R356Q, R408Q, R371Q, R390Q.
Identifiers: ClinVar variation 281738 (VCV000281738.18), dbSNP rs145690714, ClinGen allele CA6426380.
Genomic context (GRCh38, chr12:7,208,077, plus strand): 5'-AGTATCTGGGTACCACCCAGGCAGAGAATGAACAAGAACTATTAGCCATCAGTGCATTGC[G>A]GAGGTGAGTACACTGAAAGGTGTGGGTGAGGTGCTTCCAAGGCTCTGCATATAACCTTTT-3'
Protein context (NP_001338061.1, residues 383-403): EQELLAISAL[Arg393Gln]RCLELKPDNQ